The following is an entry in ClinVar:

NC_000009.11:g.(?_86585632)_(86585847_?)dup

Gene: HNRNPK (heterogeneous nuclear ribonucleoprotein K; minus strand). Cytogenetic location: 9q21.32.
Variant type: Duplication.
Identifiers: ClinVar variation 3245308 (VCV003245308.1).

ClinVar aggregate classification (germline): Uncertain significance (1 of 4 stars; one submission).

Submission:

Labcorp Genetics (formerly Invitae), Labcorp
Classification: Uncertain significance. Last evaluated: 2023-02-01. Review status: criteria provided, single submitter. Criteria: Invitae Variant Classification Sherloc (09022015). Collection method: clinical testing. Allele origin: unknown.
Comment: This variant has not been reported in the literature in individuals affected with HNRNPK-related conditions. This variant results in a copy number gain of the genomic region encompassing exon(s) 14-15 of the HNRNPK gene. While the exact position of this variant cannot be determined from the data, sub-genic copy number gains are generally in tandem (PMID: 25640679). This variant is predicted to be in-frame, and likely preserves the integrity of the reading frame. Experimental studies and prediction algorithms are not available or were not evaluated, and the functional significance of this variant is currently unknown. In summary, the available evidence is currently insufficient to determine the role of this variant in disease. Therefore, it has been classified as a Variant of Uncertain Significance.

Literature cited by the submitters: PubMed 25640679.